The following is an entry in ClinVar:

ClinVar aggregate classification (germline): Uncertain significance. Review status: criteria provided, multiple submitters, no conflicts (2 of 4 stars). 2 submissions from 2 submitters: Uncertain significance (2). Last evaluated 2023-09-14.

Conditions:
Inborn genetic diseases. Identifiers: MedGen C0950123, MeSH D030342.
MOGS-congenital disorder of glycosylation. Also called: CDG 2B; MOGS-CDG; GLUCOSIDASE I DEFICIENCY; CDG IIb. Identifiers: Orphanet 79330, MedGen C1853736, MONDO:0011629, OMIM 606056.

Allele frequency attached by ClinVar (database versions not stated): gnomAD exomes 0.00008 and 0.00002; gnomAD 0.00003 and 0.00002; 1000 Genomes Project 0.00020; TOPMed 0.00003; ExAC 0.00009; 1000 Genomes Project 30x 0.00016.
gnomAD v4.1: 31 of 1,614,228 alleles (0.0019%); highest among the groups gnomAD compares: East Asian, 0.065%; no homozygotes.

Submissions (2):

Ambry Genetics
Classification: Uncertain significance for Inborn genetic diseases. Last evaluated: 2023-09-14. Review status: criteria provided, single submitter. Criteria: Ambry Variant Classification Scheme 2023. Collection method: clinical testing. Allele origin: germline.

Labcorp Genetics (formerly Invitae), Labcorp
Classification: Uncertain significance for MOGS-congenital disorder of glycosylation. Last evaluated: 2021-08-27. Review status: criteria provided, single submitter. Criteria: Invitae Variant Classification Sherloc (09022015). Collection method: clinical testing. Allele origin: germline.
Comment: This sequence change replaces glycine with aspartic acid at codon 354 of the MOGS protein (p.Gly354Asp). The glycine residue is highly conserved and there is a moderate physicochemical difference between glycine and aspartic acid. This variant is present in population databases (rs200348131, ExAC 0.1%). This variant has not been reported in the literature in individuals affected with MOGS-related conditions. Algorithms developed to predict the effect of missense changes on protein structure and function are either unavailable or do not agree on the potential impact of this missense change (SIFT: "Deleterious"; PolyPhen-2: "Probably Damaging"; Align-GVGD: "Class C0"). In summary, the available evidence is currently insufficient to determine the role of this variant in disease. Therefore, it has been classified as a Variant of Uncertain Significance.

NM_006302.3(MOGS):c.1061G>A (p.Gly354Asp)

Gene: MOGS (mannosyl-oligosaccharide glucosidase; minus strand). Cytogenetic location: 2p13.1.
Variant type: single nucleotide variant.
Coding change: c.1061G>A on transcript NM_006302.3 (MANE Select); coding-DNA position 1061, G replaced by A.
Protein change: p.Gly354Asp; replaces glycine 354 with aspartic acid.
Molecular consequence: missense variant.
Genome position (GRCh38, 1-based): chr2:74,462,728, C>T on the plus strand (G>A on the coding strand, the complement: MOGS is on the minus strand). VCF-style: chr2-74462728-C-T. GRCh37 (hg19) VCF-style: chr2-74689855-C-T.
Other names: c.1061G>A, p.Gly354Asp (LRG_1226t1); c.743G>A, p.Gly248Asp (NM_001146158.2); short protein forms G248D, G354D.
Identifiers: ClinVar variation 657225 (VCV000657225.7), dbSNP rs200348131, ClinGen allele CA1724857.